The following is an entry in ClinVar:

NM_001103.4(ACTN2):c.1420C>T (p.His474Tyr)

Gene: ACTN2 (actinin alpha 2; plus strand). Cytogenetic location: 1q43.
Variant type: single nucleotide variant.
Coding change: c.1420C>T on transcript NM_001103.4 (MANE Select); coding-DNA position 1420, C replaced by T.
Protein change: p.His474Tyr; replaces histidine 474 with tyrosine.
Molecular consequence: missense variant.
Genome position (GRCh38, 1-based): chr1:236,747,680, C>T. VCF-style: chr1-236747680-C-T. GRCh37 (hg19) VCF-style: chr1-236910980-C-T.
Other names: c.1420C>T (NM_001103.2); c.1420C>T, p.His474Tyr (NM_001278343.2); c.796C>T, p.His266Tyr (NM_001278344.2); short protein forms H266Y, H474Y.
Identifiers: ClinVar variation 663813 (VCV000663813.10), dbSNP rs1246910938, ClinGen allele CA345383768.

ClinVar aggregate classification (germline): Conflicting classifications of pathogenicity. Review status: criteria provided, conflicting classifications (1 of 4 stars). 2 submissions from 2 submitters: Uncertain significance (1); Likely benign (1). Last evaluated 2025-09-04.

Conditions:
Cardiovascular phenotype. Identifiers: MedGen CN230736.
Primary familial hypertrophic cardiomyopathy (HCM). Identifiers: Orphanet 99739, MedGen C0949658, MeSH D024741, MONDO:0024573. Inheritance: Various modes of inheritance.
Dilated cardiomyopathy 1AA (CMD1AA). Also called: CARDIOMYOPATHY, DILATED, 1AA, WITH OR WITHOUT LEFT VENTRICULAR NONCOMPACTION; CARDIOMYOPATHY, FAMILIAL HYPERTROPHIC, 23, WITH OR WITHOUT LEFT VENTRICULAR NONCOMPACTION; Cardiomyopathy, dilated, 1AA, with or without LVNC. Identifiers: Orphanet 154, MedGen C2677338, MONDO:0012808, OMIM 612158.

Allele frequency attached by ClinVar (database versions not stated): gnomAD exomes below 0.00001 and 0.00002; TOPMed below 0.00001.
gnomAD v4.1: 28 of 1,614,034 alleles (0.0017%); highest among the groups gnomAD compares: Non-Finnish European, 0.0023%; no homozygotes.

Submissions (2):

Ambry Genetics
Classification: Uncertain significance for Cardiovascular phenotype. Last evaluated: 2025-09-04. Review status: criteria provided, single submitter. Criteria: Ambry Variant Classification Scheme 2023. Collection method: clinical testing. Allele origin: germline.
Comment: The p.H474Y variant (also known as c.1420C>T), located in coding exon 13 of the ACTN2 gene, results from a C to T substitution at nucleotide position 1420. The histidine at codon 474 is replaced by tyrosine, an amino acid with similar properties. This amino acid position is conserved. In addition, this alteration is predicted to be tolerated by in silico analysis. Based on the available evidence, the clinical significance of this variant remains unclear.

Labcorp Genetics (formerly Invitae), Labcorp
Classification: Likely benign for Primary familial hypertrophic cardiomyopathy; Dilated cardiomyopathy 1AA. Last evaluated: 2025-03-07. Review status: criteria provided, single submitter. Criteria: Invitae Variant Classification Sherloc (09022015). Collection method: clinical testing. Allele origin: germline.